The following is an entry in ClinVar:

NM_001927.4(DES):c.821T>A (p.Leu274His)

Gene: DES (desmin; plus strand). Cytogenetic location: 2q35.
Variant type: single nucleotide variant.
Coding change: c.821T>A on transcript NM_001927.4 (MANE Select); coding-DNA position 821, T replaced by A.
Protein change: p.Leu274His; replaces leucine 274 with histidine.
Molecular consequence: missense variant. On other transcripts: intron variant (1).
Genome position (GRCh38, 1-based): chr2:219,420,580, T>A. VCF-style: chr2-219420580-T-A. GRCh37 (hg19) VCF-style: chr2-220285302-T-A.
Other names: c.818T>A, p.Leu273His (NM_001382708.1); c.821T>A, p.Leu274His (NM_001382710.1, NM_001382711.1, NM_001382712.1); c.551T>A, p.Leu184His (NM_001382713.1); c.735+234T>A (NM_001382709.1); short protein forms L184H, L273H, L274H.
Identifiers: ClinVar variation 3755415 (VCV003755415.2).

ClinVar aggregate classification (germline): Likely pathogenic (1 of 4 stars; one submission).

Conditions:
Desmin-related myofibrillar myopathy (MFM1). Also called: Desminopathy; Desmin related myopathy (former name); Desmin storage myopathy (former name); MYOFIBRILLAR MYOPATHY WITH ARRHYTHMOGENIC RIGHT VENTRICULAR CARDIOMYOPATHY; DESMIN-RELATED MYOPATHY WITH ARRHYTHMOGENIC RIGHT VENTRICULAR CARDIOMYOPATHY; Myofibrillar myopathy 1. Identifiers: Orphanet 363543, Orphanet 98909, MedGen C1832370, MONDO:0011076, OMIM 601419.

Submission:

Labcorp Genetics (formerly Invitae), Labcorp
Classification: Likely pathogenic for Desmin-related myofibrillar myopathy. Last evaluated: 2024-05-10. Review status: criteria provided, single submitter. Criteria: Invitae Variant Classification Sherloc (09022015). Collection method: clinical testing. Allele origin: germline.
Comment: This sequence change replaces leucine, which is neutral and non-polar, with histidine, which is basic and polar, at codon 274 of the DES protein (p.Leu274His). This variant is not present in population databases (gnomAD no frequency). This variant has not been reported in the literature in individuals affected with DES-related conditions. Advanced modeling of protein sequence and biophysical properties (such as structural, functional, and spatial information, amino acid conservation, physicochemical variation, residue mobility, and thermodynamic stability) performed at Invitae indicates that this missense variant is expected to disrupt DES protein function with a positive predictive value of 95%. Algorithms developed to predict the effect of sequence changes on RNA splicing suggest that this variant may create or strengthen a splice site. This variant disrupts the p.Leu274 amino acid residue in DES. Other variant(s) that disrupt this residue have been determined to be pathogenic (PMID: 20696008). This suggests that this residue is clinically significant, and that variants that disrupt this residue are likely to be disease-causing. In summary, the currently available evidence indicates that the variant is pathogenic, but additional data are needed to prove that conclusively. Therefore, this variant has been classified as Likely Pathogenic.

Literature cited by the submitters: PubMed 20696008.